The following is an entry in ClinVar:

NM_001034850.3(RETREG1):c.244C>A (p.Arg82Ser)

Genes: RETREG1 (reticulophagy regulator 1; minus strand), RETREG1-AS1 (RETREG1 antisense RNA 1; plus strand). Cytogenetic location: 5p15.1.
Variant type: single nucleotide variant.
Coding change: c.244C>A on transcript NM_001034850.3 (MANE Select); coding-DNA position 244, C replaced by A.
Protein change: p.Arg82Ser; replaces arginine 82 with serine.
Molecular consequence: missense variant.
Genome position (GRCh38, 1-based): chr5:16,616,728, G>T on the plus strand (C>A on the coding strand, the complement: RETREG1 is on the minus strand). VCF-style: chr5-16616728-G-T. GRCh37 (hg19) VCF-style: chr5-16616837-G-T.
Other names: short protein forms R82S.
Identifiers: ClinVar variation 4083202 (VCV004083202.1).

ClinVar aggregate classification (germline): Uncertain significance (1 of 4 stars; one submission).

Submission:

GeneDx
Classification: Uncertain significance. Last evaluated: 2025-03-10. Review status: criteria provided, single submitter. Criteria: GeneDx Variant Classification Process June 2021. Collection method: clinical testing. Allele origin: germline. Affected: yes.
Comment: Not observed at significant frequency in large population cohorts (gnomAD); In silico analysis indicates that this missense variant does not alter protein structure/function; Has not been previously published as pathogenic or benign to our knowledge